The following is an entry in ClinVar:

NM_001256789.3(CACNA1F):c.1175G>A (p.Arg392Gln)

Gene: CACNA1F (calcium voltage-gated channel subunit alpha1 F; minus strand). Cytogenetic location: Xp11.23.
Variant type: single nucleotide variant.
Coding change: c.1175G>A on transcript NM_001256789.3 (MANE Select); coding-DNA position 1175, G replaced by A.
Protein change: p.Arg392Gln; replaces arginine 392 with glutamine.
Molecular consequence: missense variant.
Genome position (GRCh38, 1-based): chrX:49,227,071, C>T on the plus strand (G>A on the coding strand, the complement: CACNA1F is on the minus strand). VCF-style: chrX-49227071-C-T. GRCh37 (hg19) VCF-style: chrX-49083533-C-T.
Other names: c.1175G>A (NM_005183.3); c.980G>A, p.Arg327Gln (NM_001256790.3); c.1175G>A, p.Arg392Gln (NM_005183.4); short protein forms R327Q, R392Q.
Identifiers: ClinVar variation 1151647 (VCV001151647.11), dbSNP rs782650423, ClinGen allele CA10410933.

ClinVar aggregate classification (germline): Likely benign. Review status: criteria provided, multiple submitters, no conflicts (2 of 4 stars). 3 submissions from 3 submitters: Likely benign (3). Last evaluated 2026-02-20.

Conditions:
CACNA1F-related disorder. Also called: CACNA1F-related condition.

Allele frequency attached by ClinVar (database versions not stated): TOPMed 0.00005; gnomAD 0.00006.
gnomAD v4.1: 60 of 1,204,139 alleles (0.005%); highest among the groups gnomAD compares: Non-Finnish European, 0.0024%; no homozygotes.

Submissions (3):

PreventionGenetics, part of Exact Sciences
Classification: Likely benign for CACNA1F-related condition. Last evaluated: 2026-02-20. Review status: criteria provided, single submitter. Criteria: ACMG Guidelines, 2015. Collection method: clinical testing. Allele origin: germline.
Comment: This variant is classified as likely benign based on ACMG/AMP sequence variant interpretation guidelines (Richards et al. 2015 PMID: 25741868, with internal and published modifications).

Labcorp Genetics (formerly Invitae), Labcorp
Classification: Likely benign. Last evaluated: 2026-01-05. Review status: criteria provided, single submitter. Criteria: Invitae Variant Classification Sherloc (09022015). Collection method: clinical testing. Allele origin: germline.

Blueprint Genetics
Classification: Likely benign. Last evaluated: 2024-11-28. Review status: criteria provided, single submitter. Criteria: ACMG Guidelines, 2015. Collection method: clinical testing. Allele origin: germline.